The following is an entry in ClinVar:

ClinVar aggregate classification (germline): Pathogenic. Review status: reviewed by expert panel (3 of 4 stars). 9 submissions from 9 submitters: Pathogenic (1). 8 of the submissions do not count toward it. Last evaluated 2016-09-08.

Conditions:
Hereditary cancer-predisposing syndrome. Also called: Tumor predisposition; Hereditary neoplastic syndrome; Neoplastic Syndromes, Hereditary; Hereditary Cancer Syndrome. Identifiers: Orphanet 140162, MedGen C0027672, MeSH D009386, MONDO:0015356.
Hereditary breast ovarian cancer syndrome. Also called: Hereditary breast and ovarian cancer syndrome (HBOC); Hereditary breast and ovarian cancer; Hereditary breast and ovarian cancer syndrome; Breast and ovarian cancer; Hereditary breast and/or ovarian cancer syndrome; BRCA1- and BRCA2-Associated Hereditary Breast and Ovarian Cancer. Identifiers: Orphanet 145, MedGen C0677776, MeSH D061325, MONDO:0003582. Disease mechanism: loss of function.
Breast-ovarian cancer, familial, susceptibility to, 1 (BROVCA1). Also called: BRCA1 Hereditary Breast and Ovarian Cancer; OVARIAN CANCER, SUSCEPTIBILITY TO. Identifiers: Orphanet 145, MedGen C2676676, MONDO:0011450, OMIM 604370. Disease mechanism: loss of function.

Submissions (9):

Evidence-based Network for the Interpretation of Germline Mutant Alleles (ENIGMA)
Classification: Pathogenic for Breast-ovarian cancer, familial, susceptibility to, 1. Last evaluated: 2016-09-08. Review status: reviewed by expert panel. Criteria: ENIGMA BRCA1/2 Classification Criteria (2015). Collection method: curation. Allele origin: germline.
Comment: Variant allele predicted to encode a truncated non-functional protein.

CeGaT Center for Human Genetics Tuebingen
Classification: Pathogenic. Last evaluated: 2026-05-01. Review status: criteria provided, single submitter. Criteria: CeGaT Center For Human Genetics Tuebingen Variant Classification Criteria Version 2. Collection method: clinical testing. Allele origin: germline. Affected: yes. Observed: 1 variant allele. Not counted in ClinVar's aggregate classification.
Comment: BRCA1: PVS1, PM2, PS4:Supporting

Labcorp Genetics (formerly Invitae), Labcorp
Classification: Pathogenic for Hereditary breast ovarian cancer syndrome. Last evaluated: 2025-07-30. Review status: criteria provided, single submitter. Criteria: Invitae Variant Classification Sherloc (09022015). Collection method: clinical testing. Allele origin: germline. Not counted in ClinVar's aggregate classification.
Comment: This sequence change creates a premature translational stop signal (p.Cys47Leufs*19) in the BRCA1 gene. It is expected to result in an absent or disrupted protein product. Loss-of-function variants in BRCA1 are known to be pathogenic (PMID: 20104584). This variant is not present in population databases (gnomAD no frequency). This variant has not been reported in the literature in individuals affected with BRCA1-related conditions. ClinVar contains an entry for this variant (Variation ID: 125570). For these reasons, this variant has been classified as Pathogenic.

Ambry Genetics
Classification: Pathogenic for Hereditary cancer-predisposing syndrome. Last evaluated: 2025-07-03. Review status: criteria provided, single submitter. Criteria: Ambry Variant Classification Scheme 2023. Collection method: clinical testing. Allele origin: germline. Not counted in ClinVar's aggregate classification.
Comment: The c.139dupT pathogenic mutation, located in coding exon 3 of the BRCA1 gene, results from a duplication of T at nucleotide position 139, causing a translational frameshift with a predicted alternate stop codon (p.C47Lfs*19). This variant is considered to be rare based on population cohorts in the Genome Aggregation Database (gnomAD). This alteration is expected to result in loss of function by premature protein truncation or nonsense-mediated mRNA decay. As such, this alteration is interpreted as a disease-causing mutation.

GeneDx
Classification: Pathogenic. Last evaluated: 2024-01-25. Review status: criteria provided, single submitter. Criteria: GeneDx Variant Classification Process June 2021. Collection method: clinical testing. Allele origin: germline. Affected: yes. Not counted in ClinVar's aggregate classification.
Comment: Frameshift variant predicted to result in protein truncation or nonsense mediated decay in a gene for which loss of function is a known mechanism of disease; Not observed at significant frequency in large population cohorts (gnomAD); Truncating variants in this gene are considered pathogenic by a well-established clinical consortium and/or database; Has not been previously published as pathogenic or benign to our knowledge; Also known as 258dup

Quest Diagnostics Nichols Institute San Juan Capistrano
Classification: Pathogenic. Last evaluated: 2022-12-23. Review status: criteria provided, single submitter. Criteria: Quest Diagnostics criteria. Collection method: clinical testing. Allele origin: unknown. Not counted in ClinVar's aggregate classification.
Comment: This frameshift variant alters the translational reading frame of the BRCA1 mRNA and causes the premature termination of BRCA1 protein synthesis. The variant has not been reported in individuals with BRCA1-related diseases in the published literature. It also has not been reported in large, multi-ethnic general populations. However, it has been reported in an individual with breast and/or ovarian cancer (BIC). Based on the available information, this variant is classified as pathogenic.

Baylor Genetics
Classification: Likely pathogenic for Breast-ovarian cancer, familial, susceptibility to, 1. Last evaluated: 2022-08-11. Review status: criteria provided, single submitter. Criteria: ACMG Guidelines, 2015. Collection method: clinical testing. Allele origin: unknown. Not counted in ClinVar's aggregate classification.

Research Molecular Genetics Laboratory, Women's College Hospital, University of Toronto
Classification: Pathogenic for Hereditary breast ovarian cancer syndrome. Last evaluated: 2014-01-31. Review status: no assertion criteria provided. Collection method: research. Allele origin: germline. Affected: yes. Study: The Canadian Open Genetics Repository (COGR). Not counted in ClinVar's aggregate classification.

Breast Cancer Information Core (BIC) (BRCA1)
Classification: Pathogenic for Breast-ovarian cancer, familial 1. Last evaluated: 1999-04-06. Review status: no assertion criteria provided. Collection method: clinical testing. Allele origin: germline. Affected: yes. Observed: 2 variant alleles. Not counted in ClinVar's aggregate classification.

Literature cited by the submitters: PubMed 20104584 (cited by Labcorp Genetics (formerly Invitae), Labcorp).

NM_007294.4(BRCA1):c.139dup (p.Cys47fs)

Gene: BRCA1 (BRCA1 DNA repair associated; minus strand). Cytogenetic location: 17q21.31.
Variant type: Duplication.
Coding change: c.139dup on transcript NM_007294.4 (MANE Select); coding-DNA position 139, one base duplicated (T; older notation c.139dupT).
Protein change: p.Cys47fs; shifts the reading frame from cysteine 47.
Molecular consequence: frameshift variant. On other transcripts: 5 prime UTR variant (1), non-coding transcript variant (1).
Genome position (GRCh38, 1-based): chr17:43,106,529, A duplicated on the plus strand (T on the coding strand, the reverse complement: BRCA1 is on the minus strand); the first of 4 consecutive A bases (chr17:43,106,529-43,106,532); duplicating any one gives the same sequence. VCF-style (leftmost placement, unchanged base first): chr17-43106528-C-CA. GRCh37 (hg19) VCF-style: chr17-41258545-C-CA.
Other names: 258insT; c.-53dup (NM_001407571.1, NM_001407853.1, NM_001407879.1 and 58 more transcripts); c.136dup, p.Cys47Leufs (NM_001407581.1, NM_001407582.1, NM_001407583.1 and 166 more transcripts); c.139dup (NM_007294.3); c.-6dup (NM_001407692.1, NM_001407694.1, NM_001407695.1 and 98 more transcripts); c.-3dup (NM_007297.4); c.139dup, p.Cys47fs (NM_007299.4, NM_007300.4); c.139dupT (NM_007294.3); short protein forms C47fs.
Identifiers: ClinVar variation 125570 (VCV000125570.19), dbSNP rs80357734, ClinGen allele CA000931.